The following is an entry in ClinVar:

ClinVar aggregate classification (germline): Uncertain significance (1 of 4 stars; one submission).

Submission:

GeneDx
Classification: Uncertain significance. Last evaluated: 2025-02-06. Review status: criteria provided, single submitter. Criteria: GeneDx Variant Classification Process June 2021. Collection method: clinical testing. Allele origin: germline. Affected: yes.
Comment: In-frame deletion of 2 amino acids in a non-repeat region; Not observed at significant frequency in large population cohorts (gnomAD); In silico analysis supports a deleterious effect on protein structure/function; Has not been previously published as pathogenic or benign to our knowledge; Reported using an alternate transcript of the gene

NM_001395002.1(MAP4K4):c.2023_2028del (p.Asp675_Ser676del)

Gene: MAP4K4 (mitogen-activated protein kinase kinase kinase kinase 4; plus strand). Cytogenetic location: 2q11.2.
Variant type: Deletion.
Coding change: c.2023_2028del on transcript NM_001395002.1 (MANE Select); coding-DNA positions 2023 to 2028, 6 bases deleted (GACTCT; older notation c.2023_2028delGACTCT).
Protein change: p.Asp675_Ser676del.
Molecular consequence: inframe deletion. On other transcripts: non-coding transcript variant (3), intron variant (22).
Genome position (GRCh38, 1-based): chr2:101,863,977-101,863,982, GACTCT deleted; deleting any 6 consecutive bases within chr2:101,863,973-101,863,982 gives the same sequence; the c. name uses the placement nearest the transcript's 3' end. VCF-style (leftmost placement, unchanged base first): chr2-101863972-GCTCTGA-G. GRCh37 (hg19) VCF-style: chr2-102480434-GCTCTGA-G.
Other names: c.1828_1833del, p.Asp610_Ser611del (NM_001384562.1, NM_001384563.1, NM_001384553.1 and 1 more transcripts); c.1903_1908del, p.Asp635_Ser636del (NM_001384564.1); c.1741_1746del, p.Asp581_Ser582del (NM_001384567.1, NM_001384554.1, NM_001384558.1); c.1834_1839del, p.Asp612_Ser613del (NM_001384572.1, NM_001384552.1, NM_001384555.1); c.1867-953_1867-948del (NM_001384486.1, NM_001384507.1, NM_001384481.1 and 2 more transcripts); c.1705-953_1705-948del (NM_001384490.1, NM_001384496.1, NM_001384494.1 and 1 more transcripts); c.1774-953_1774-948del (NM_145687.4, NM_145686.4); c.1612-953_1612-948del (NM_001384495.1, NM_001384478.1, NM_001384482.1 and 1 more transcripts); and 11 more.
Identifiers: ClinVar variation 4074593 (VCV004074593.1).